The following is an entry in ClinVar:

ClinVar aggregate classification (germline): Uncertain significance. Review status: criteria provided, multiple submitters, no conflicts (2 of 4 stars). 2 submissions from 2 submitters: Uncertain significance (2). Last evaluated 2023-08-04.

Conditions:
Brain small vessel disease 2A, autosomal dominant. Also called: Porencephaly 2. Identifiers: Orphanet 2940, Orphanet 99810, MedGen C3280970, MONDO:0013773, OMIM 614483.
COL4A2-related disorder. Also called: COL4A2-related disorders; COL4A2-related condition.

Allele frequency attached by ClinVar (database versions not stated): gnomAD exomes below 0.00001.
gnomAD v4.1: 1 of 1,613,960 alleles (0.000062%); highest among the groups gnomAD compares: South Asian, 0.0011%; no homozygotes.

Submissions (2):

PreventionGenetics, part of Exact Sciences
Classification: Uncertain significance for COL4A2-related condition. Last evaluated: 2023-08-04. Review status: criteria provided, single submitter. Criteria: ACMG Guidelines, 2015. Collection method: clinical testing. Allele origin: germline.
Comment: The COL4A2 c.3976G>A variant is predicted to result in the amino acid substitution p.Gly1326Arg. To our knowledge, this variant has not been reported in the literature. This variant is reported in 0.0033% of alleles in individuals of South Asian descent in gnomAD and has been interpreted as uncertain in ClinVar. This variant results in a glycine change within the conserved collagen triple helical domain (Gly-X-Y) where Gly changes are often expected to be pathogenic. However, no Gly changes have been previously reported at this residue or adjacent Gly residues (Human Gene Mutation Database). Although we suspect that this variant may be pathogenic, at this time, the clinical significance of this variant is uncertain due to the absence of conclusive functional and genetic evidence.

Baylor Genetics
Classification: Uncertain significance for Brain small vessel disease 2A, autosomal dominant. Last evaluated: 2022-11-22. Review status: criteria provided, single submitter. Criteria: ACMG Guidelines, 2015. Collection method: clinical testing. Allele origin: unknown.

NM_001846.4(COL4A2):c.3976G>A (p.Gly1326Arg)

Genes: COL4A2 (collagen type IV alpha 2 chain; plus strand), COL4A2-AS1 (COL4A2 antisense RNA 1; minus strand). Cytogenetic location: 13q34.
Variant type: single nucleotide variant.
Coding change: c.3976G>A on transcript NM_001846.4 (MANE Select); coding-DNA position 3976, G replaced by A.
Protein change: p.Gly1326Arg; replaces glycine 1326 with arginine.
Molecular consequence: missense variant.
Genome position (GRCh38, 1-based): chr13:110,503,219, G>A. VCF-style: chr13-110503219-G-A. GRCh37 (hg19) VCF-style: chr13-111155566-G-A.
Other names: c.3976G>A (NM_001846.3); short protein forms G1326R.
Identifiers: ClinVar variation 2441869 (VCV002441869.2), dbSNP rs1288983568, ClinGen allele CA388736106.